The following is an entry in ClinVar:

NM_001267550.2(TTN):c.67499T>G (p.Val22500Gly)

Genes: TTN (titin; minus strand), TTN-AS1 (TTN antisense RNA 1; plus strand), LOC126806423 (CDK7 strongly-dependent group 2 enhancer GRCh37_chr2:179443309-179444508; plus strand). Cytogenetic location: 2q31.2.
Variant type: single nucleotide variant.
Coding change: c.67499T>G on transcript NM_001267550.2 (MANE Select); coding-DNA position 67499, T replaced by G.
Protein change: p.Val22500Gly; replaces valine 22500 with glycine.
Molecular consequence: missense variant.
Genome position (GRCh38, 1-based): chr2:178,579,698, A>C on the plus strand (T>G on the coding strand, the complement: TTN is on the minus strand). VCF-style: chr2-178579698-A-C. GRCh37 (hg19) VCF-style: chr2-179444425-A-C.
Other names: c.62576T>G, p.Val20859Gly (NM_001256850.1); c.40304T>G, p.Val13435Gly (NM_003319.4); c.59795T>G, p.Val19932Gly (NM_133378.4); c.40679T>G, p.Val13560Gly (NM_133432.3); c.40880T>G, p.Val13627Gly (NM_133437.4); short protein forms V13435G, V13560G, V13627G, V19932G, V20859G, V22500G.
Identifiers: ClinVar variation 1306781 (VCV001306781.2), dbSNP rs760079543, ClinGen allele CA349423622.

ClinVar aggregate classification (germline): Uncertain significance (1 of 4 stars; one submission).

Allele frequency attached by ClinVar (database versions not stated): gnomAD exomes below 0.00001.
gnomAD v4.1: 1 of 1,613,166 alleles (0.000062%); highest among the groups gnomAD compares: East Asian, 0.0022%; no homozygotes.

Submission:

GeneDx
Classification: Uncertain significance. Last evaluated: 2019-07-02. Review status: criteria provided, single submitter. Criteria: GeneDx Variant Classification Process June 2021. Collection method: clinical testing. Allele origin: germline. Affected: yes.
Comment: Not observed in large population cohorts (Lek et al., 2016); In silico analysis, which includes splice predictors and evolutionary conservation, supports a deleterious effect; Has not been previously published as pathogenic or benign to our knowledge